The following is an entry in ClinVar:

NM_002471.4(MYH6):c.3105+3G>A

Gene: MYH6 (myosin heavy chain 6; minus strand). Cytogenetic location: 14q11.2.
Variant type: single nucleotide variant.
Coding change: c.3105+3G>A on transcript NM_002471.4 (MANE Select); 3 bases into the intron after coding-DNA position 3105, G replaced by A.
Molecular consequence: intron variant.
Genome position (GRCh38, 1-based): chr14:23,393,339, C>T on the plus strand (G>A on the coding strand, the complement: MYH6 is on the minus strand). VCF-style: chr14-23393339-C-T. GRCh37 (hg19) VCF-style: chr14-23862548-C-T.
Identifiers: ClinVar variation 4114827 (VCV004114827.2).

ClinVar aggregate classification (germline): Uncertain significance. Review status: criteria provided, multiple submitters, no conflicts (2 of 4 stars). 2 submissions from 2 submitters: Uncertain significance (2). Last evaluated 2025-10-08.

Conditions:
Cardiovascular phenotype. Identifiers: MedGen CN230736.
Hypertrophic cardiomyopathy 14. Identifiers: MedGen C2750467, MONDO:0013197, OMIM 613251.

Submissions (2):

Labcorp Genetics (formerly Invitae), Labcorp
Classification: Uncertain significance for Hypertrophic cardiomyopathy 14. Last evaluated: 2025-10-08. Review status: criteria provided, single submitter. Criteria: Invitae Variant Classification Sherloc (09022015). Collection method: clinical testing. Allele origin: germline.
Comment: This sequence change falls in intron 23 of the MYH6 gene. It does not directly change the encoded amino acid sequence of the MYH6 protein. It affects a nucleotide within the consensus splice site. This variant is not present in population databases (gnomAD no frequency). This variant has not been reported in the literature in individuals affected with MYH6-related conditions. Variants that disrupt the consensus splice site are a relatively common cause of aberrant splicing (PMID: 17576681, 9536098). Algorithms developed to predict the effect of sequence changes on RNA splicing suggest that this variant is not likely to affect RNA splicing. In summary, the available evidence is currently insufficient to determine the role of this variant in disease. Therefore, it has been classified as a Variant of Uncertain Significance.

Ambry Genetics
Classification: Uncertain significance for Cardiovascular phenotype. Last evaluated: 2025-07-09. Review status: criteria provided, single submitter. Criteria: Ambry Variant Classification Scheme 2023. Collection method: clinical testing. Allele origin: germline.
Comment: The c.3105+3G>A intronic variant results from a G to A substitution 3 nucleotides after coding exon 21 in the MYH6 gene. This nucleotide position is not well conserved in available vertebrate species. In silico splice site analysis predicts that this alteration will not have any significant effect on splicing. Based on the available evidence, the clinical significance of this variant remains unclear.

Literature cited by the submitters: PubMed 17576681 (cited by Labcorp Genetics (formerly Invitae), Labcorp); PubMed 9536098 (cited by Labcorp Genetics (formerly Invitae), Labcorp).